The following is an entry in ClinVar:

ClinVar aggregate classification (germline): Uncertain significance. Review status: criteria provided, multiple submitters, no conflicts (2 of 4 stars). 3 submissions from 3 submitters: Uncertain significance (2). 1 of the submissions does not count toward it. Last evaluated 2025-03-28.

Conditions:
NLRP12-related disorder. Also called: NLRP12-related condition; NLRP12-related conditions.
Familial cold autoinflammatory syndrome 2 (FCAS2). Identifiers: Orphanet 247868, MedGen C2673198, MONDO:0012724, OMIM 611762.

Allele frequency attached by ClinVar (database versions not stated): gnomAD exomes below 0.00001 and 0.00001; ExAC 0.00001; gnomAD 0.00002; TOPMed 0.00004.
gnomAD v4.1: 11 of 1,613,946 alleles (0.00068%); highest among the groups gnomAD compares: Middle Eastern, 0.016%; no homozygotes.

Submissions (3):

Labcorp Genetics (formerly Invitae), Labcorp
Classification: Uncertain significance for Familial cold autoinflammatory syndrome 2. Last evaluated: 2025-03-28. Review status: criteria provided, single submitter. Criteria: Invitae Variant Classification Sherloc (09022015). Collection method: clinical testing. Allele origin: germline.
Comment: This sequence change replaces alanine, which is neutral and non-polar, with threonine, which is neutral and polar, at codon 184 of the NLRP12 protein (p.Ala184Thr). This variant is present in population databases (rs766308091, gnomAD 0.002%). This variant has not been reported in the literature in individuals affected with NLRP12-related conditions. ClinVar contains an entry for this variant (Variation ID: 330042). An algorithm developed to predict the effect of missense changes on protein structure and function outputs the following: PolyPhen-2: "Benign". The threonine amino acid residue is found in multiple mammalian species, which suggests that this missense change does not adversely affect protein function. In summary, the available evidence is currently insufficient to determine the role of this variant in disease. Therefore, it has been classified as a Variant of Uncertain Significance.

Illumina Laboratory Services, Illumina
Classification: Uncertain significance for Familial cold autoinflammatory syndrome 2. Last evaluated: 2018-01-12. Review status: criteria provided, single submitter. Criteria: ICSL Variant Classification Criteria 13 December 2019. Collection method: clinical testing. Allele origin: germline.

PreventionGenetics, part of Exact Sciences
Classification: Uncertain significance for NLRP12-related condition. Last evaluated: 2023-11-08. Review status: no assertion criteria provided. Collection method: clinical testing. Allele origin: germline. Not counted in ClinVar's aggregate classification.
Comment: The NLRP12 c.550G>A variant is predicted to result in the amino acid substitution p.Ala184Thr. To our knowledge, this variant has not been reported in the literature. This variant is reported in 0.0018% of alleles in individuals of European (Non-Finnish) descent in gnomAD. At this time, the clinical significance of this variant is uncertain due to the absence of conclusive functional and genetic evidence.

NM_144687.4(NLRP12):c.550G>A (p.Ala184Thr)

Gene: NLRP12 (NLR family pyrin domain containing 12; minus strand). Cytogenetic location: 19q13.42.
Variant type: single nucleotide variant.
Coding change: c.550G>A on transcript NM_144687.4 (MANE Select); coding-DNA position 550, G replaced by A.
Protein change: p.Ala184Thr; replaces alanine 184 with threonine.
Molecular consequence: missense variant.
Genome position (GRCh38, 1-based): chr19:53,811,109, C>T on the plus strand (G>A on the coding strand, the complement: NLRP12 is on the minus strand). VCF-style: chr19-53811109-C-T. GRCh37 (hg19) VCF-style: chr19-54314363-C-T.
Other names: c.550G>A, p.Ala184Thr (NM_001277126.2, NM_001277129.1); short protein forms A184T.
Identifiers: ClinVar variation 330042 (VCV000330042.11), dbSNP rs766308091, ClinGen allele CA9639676.